The following is an entry in ClinVar:

NM_001393769.1(MED12L):c.5944C>T (p.Gln1982Ter)

Gene: MED12L (mediator complex subunit 12L; plus strand). Cytogenetic location: 3q25.1.
Variant type: single nucleotide variant.
Coding change: c.5944C>T on transcript NM_001393769.1 (MANE Select); coding-DNA position 5944, C replaced by T.
Protein change: p.Gln1982Ter; replaces glutamine 1982 with a stop codon.
Molecular consequence: nonsense.
Genome position (GRCh38, 1-based): chr3:151,411,311, C>T. VCF-style: chr3-151411311-C-T. GRCh37 (hg19) VCF-style: chr3-151129099-C-T.
Other names: c.5839C>T, p.Gln1947Ter (NM_053002.6); short protein forms Q1982*, Q1947*.
Identifiers: ClinVar variation 4839079 (VCV004839079.1).

ClinVar aggregate classification (germline): Pathogenic (1 of 4 stars; one submission).

Conditions:
Inborn genetic diseases. Identifiers: MedGen C0950123, MeSH D030342.

Submission:

Ambry Genetics
Classification: Pathogenic for Inborn genetic diseases. Last evaluated: 2026-01-20. Review status: criteria provided, single submitter. Criteria: Ambry Variant Classification Scheme 2023. Collection method: clinical testing. Allele origin: germline.
Comment: The c.5839C>T (p.Q1947*) alteration, located in exon 39 (coding exon 39) of the MED12L gene, consists of a C to T substitution at nucleotide position 5839. This changes the amino acid from a glutamine (Q) to a stop codon at amino acid position 1947. This alteration is expected to result in loss of function by premature protein truncation or nonsense-mediated mRNA decay. This variant was not reported in population-based cohorts in the Genome Aggregation Database (gnomAD). Based on the available evidence, this alteration is classified as pathogenic.